The following is an entry in ClinVar:

NM_000496.3(CRYBB2):c.481G>C (p.Gly161Arg)

Gene: CRYBB2 (crystallin beta B2; plus strand). Cytogenetic location: 22q11.23.
Variant type: single nucleotide variant.
Coding change: c.481G>C on transcript NM_000496.3 (MANE Select); coding-DNA position 481, G replaced by C.
Protein change: p.Gly161Arg; replaces glycine 161 with arginine.
Molecular consequence: missense variant.
Genome position (GRCh38, 1-based): chr22:25,231,635, G>C. VCF-style: chr22-25231635-G-C. GRCh37 (hg19) VCF-style: chr22-25627602-G-C.
Other names: short protein forms G161R.
Identifiers: ClinVar variation 571643 (VCV000571643.12), dbSNP rs1569022638, ClinGen allele CA410988198.

ClinVar aggregate classification (germline): Uncertain significance. Review status: criteria provided, multiple submitters, no conflicts (2 of 4 stars). 2 submissions from 2 submitters: Uncertain significance (2). Last evaluated 2019-07-24.

Conditions:
Cataract 3 multiple types. Also called: CATARACT 3, MULTIPLE TYPES, WITH OR WITHOUT MICROCORNEA. Identifiers: Orphanet 1377, MedGen C1832175, MONDO:0011104, OMIM 601547.

Submissions (2):

Revvity Omics, Revvity
Classification: Uncertain significance for Cataract 3 multiple types. Last evaluated: 2019-07-24. Review status: criteria provided, single submitter. Criteria: ACMG Guidelines, 2015. Collection method: clinical testing. Allele origin: germline.

Labcorp Genetics (formerly Invitae), Labcorp
Classification: Uncertain significance for Cataract 3 multiple types. Last evaluated: 2018-09-06. Review status: criteria provided, single submitter. Criteria: Invitae Variant Classification Sherloc (09022015). Collection method: clinical testing. Allele origin: germline.
Comment: In summary, the available evidence is currently insufficient to determine the role of this variant in disease. Therefore, it has been classified as a Variant of Uncertain Significance. Algorithms developed to predict the effect of missense changes on protein structure and function (SIFT, PolyPhen-2, Align-GVGD) all suggest that this variant is likely to be disruptive, but these predictions have not been confirmed by published functional studies and their clinical significance is uncertain. This variant has been observed to segregate with congenital cataract in a family (Invitae). This variant is not present in population databases (ExAC no frequency). This sequence change replaces glycine with arginine at codon 161 of the CRYBB2 protein (p.Gly161Arg). The glycine residue is highly conserved and there is a moderate physicochemical difference between glycine and arginine.